The following is an entry in ClinVar:

NM_014254.3(RXYLT1):c.366T>A (p.Asp122Glu)

Gene: RXYLT1 (ribitol xylosyltransferase 1; plus strand). Cytogenetic location: 12q14.2.
Variant type: single nucleotide variant.
Coding change: c.366T>A on transcript NM_014254.3 (MANE Select); coding-DNA position 366, T replaced by A.
Protein change: p.Asp122Glu; replaces aspartic acid 122 with glutamic acid.
Molecular consequence: missense variant. On other transcripts: 5 prime UTR variant (1).
Genome position (GRCh38, 1-based): chr12:63,785,010, T>A. VCF-style: chr12-63785010-T-A. GRCh37 (hg19) VCF-style: chr12-64178790-T-A.
Other names: c.-415T>A (NM_001278237.2); short protein forms D122E.
Identifiers: ClinVar variation 2039252 (VCV002039252.1), dbSNP rs777529638, ClinGen allele CA6666081.

ClinVar aggregate classification (germline): Uncertain significance (1 of 4 stars; one submission).

Allele frequency attached by ClinVar (database versions not stated): gnomAD exomes below 0.00001; ExAC 0.00001; TOPMed 0.00001.
gnomAD v4.1: 5 of 1,613,968 alleles (0.00031%); highest among the groups gnomAD compares: Admixed American, 0.0033%; no homozygotes.

Submission:

Labcorp Genetics (formerly Invitae), Labcorp
Classification: Uncertain significance. Last evaluated: 2022-06-15. Review status: criteria provided, single submitter. Criteria: Invitae Variant Classification Sherloc (09022015). Collection method: clinical testing. Allele origin: germline.
Comment: This sequence change replaces aspartic acid, which is acidic and polar, with glutamic acid, which is acidic and polar, at codon 122 of the RXYLT1 protein (p.Asp122Glu). This variant is present in population databases (rs777529638, gnomAD 0.006%). This variant has not been reported in the literature in individuals affected with RXYLT1-related conditions. Algorithms developed to predict the effect of missense changes on protein structure and function output the following: SIFT: "Tolerated"; PolyPhen-2: "Benign"; Align-GVGD: "Class C0". The glutamic acid amino acid residue is found in multiple mammalian species, which suggests that this missense change does not adversely affect protein function. In summary, the available evidence is currently insufficient to determine the role of this variant in disease. Therefore, it has been classified as a Variant of Uncertain Significance.